The following is an entry in ClinVar:

ClinVar aggregate classification (germline): Likely pathogenic (1 of 4 stars; one submission).

Conditions:
Dilated cardiomyopathy 1O (CMD1O). Also called: CARDIOMYOPATHY, DILATED, WITH VENTRICULAR TACHYCARDIA. Identifiers: Orphanet 154, MedGen C1837839, MONDO:0012062, OMIM 608569.

Submission:

Labcorp Genetics (formerly Invitae), Labcorp
Classification: Likely pathogenic for Dilated cardiomyopathy 1O. Last evaluated: 2024-10-01. Review status: criteria provided, single submitter. Criteria: Invitae Variant Classification Sherloc (09022015). Collection method: clinical testing. Allele origin: germline.
Comment: This sequence change affects an acceptor splice site in intron 10 of the ABCC9 gene. It is expected to disrupt RNA splicing. Variants that disrupt the donor or acceptor splice site typically lead to a loss of protein function (PMID: 16199547), and loss-of-function variants in ABCC9 are known to be pathogenic (PMID: 31575858, 38217872). This variant is not present in population databases (gnomAD no frequency). This variant has not been reported in the literature in individuals affected with ABCC9-related conditions. ClinVar contains an entry for this variant (Variation ID: 1366444). Algorithms developed to predict the effect of sequence changes on RNA splicing suggest that this variant may disrupt the consensus splice site. In summary, the currently available evidence indicates that the variant is pathogenic, but additional data are needed to prove that conclusively. Therefore, this variant has been classified as Likely Pathogenic.

Literature cited by the submitters: PubMed 16199547; PubMed 31575858; PubMed 38217872.

NM_020297.4(ABCC9):c.1619-2A>G

Gene: ABCC9 (ATP binding cassette subfamily C member 9; minus strand). Cytogenetic location: 12p12.1.
Variant type: single nucleotide variant.
Coding change: c.1619-2A>G on transcript NM_020297.4 (MANE Select); the canonical splice acceptor site of the intron before coding-DNA position 1619, A replaced by G.
Molecular consequence: splice acceptor variant.
Genome position (GRCh38, 1-based): chr12:21,895,317, T>C on the plus strand (A>G on the coding strand, the complement: ABCC9 is on the minus strand). VCF-style: chr12-21895317-T-C. GRCh37 (hg19) VCF-style: chr12-22048251-T-C.
Other names: c.755-2A>G (NM_001377274.1); c.1619-2A>G (NM_005691.4, NM_001377273.1).
Identifiers: ClinVar variation 1366444 (VCV001366444.8), dbSNP rs2137748028, ClinGen allele CA384137868.